The following is an entry in ClinVar:

NM_003611.3(OFD1):c.2884A>G (p.Met962Val)

Gene: OFD1 (OFD1 centriole and centriolar satellite protein; plus strand). Cytogenetic location: Xp22.2.
Variant type: single nucleotide variant.
Coding change: c.2884A>G on transcript NM_003611.3 (MANE Select); coding-DNA position 2884, A replaced by G.
Protein change: p.Met962Val; replaces methionine 962 with valine.
Molecular consequence: missense variant.
Genome position (GRCh38, 1-based): chrX:13,768,180, A>G. VCF-style: chrX-13768180-A-G. GRCh37 (hg19) VCF-style: chrX-13786299-A-G.
Other names: c.2764A>G, p.Met922Val (NM_001330209.2); c.2464A>G, p.Met822Val (NM_001330210.2); short protein forms M822V, M922V, M962V.
Identifiers: ClinVar variation 1979960 (VCV001979960.4), dbSNP rs759835018, ClinGen allele CA10352093.
Genomic context (GRCh38, chrX:13,768,180, plus strand): 5'-ATGAGTAATCAAGAAATAAAAGACAAATCTGCTCACAGTGAAAATCCTTTAGAGAAATAC[A>G]TGAAAATCATCCAGCAGGAGCAAGACCAGGAGTCGGCAGATAAGGTGCCAGTGCCATGGG-3'
Protein context (NP_003602.1, residues 952-972): AHSENPLEKY[Met962Val]KIIQQEQDQE

ClinVar aggregate classification (germline): Uncertain significance (1 of 4 stars; one submission).

Conditions:
Joubert syndrome. Also called: CEREBELLOPARENCHYMAL DISORDER IV; JOUBERT-BOLTSHAUSER SYNDROME; Familial aplasia of the vermis. Identifiers: Orphanet 475, MedGen C5979921, MONDO:0018772.
Orofaciodigital syndrome I (OFD1). Also called: OFDS I; Papillon-Leage and Psaume Syndrome; Oral-Facial-Digital Syndrome Type I. Identifiers: Orphanet 2750, MedGen C1510460, MONDO:0010702, OMIM 311200.

Allele frequency attached by ClinVar (database versions not stated): TOPMed 0.00002; gnomAD exomes below 0.00001; ExAC 0.00001.
gnomAD v4.1: 5 of 1,211,219 alleles (0.00041%); highest among the groups gnomAD compares: African/African-American, 0.0035%; no homozygotes.

Submission:

Labcorp Genetics (formerly Invitae), Labcorp
Classification: Uncertain significance for Orofaciodigital syndrome I; Joubert syndrome. Last evaluated: 2025-10-20. Review status: criteria provided, single submitter. Criteria: Invitae Variant Classification Sherloc (09022015). Collection method: clinical testing. Allele origin: germline.
Comment: This sequence change replaces methionine, which is neutral and non-polar, with valine, which is neutral and non-polar, at codon 962 of the OFD1 protein (p.Met962Val). This variant is present in population databases (rs759835018, gnomAD 0.001%). This variant has not been reported in the literature in individuals affected with OFD1-related conditions. ClinVar contains an entry for this variant (Variation ID: 1979960). Invitae Evidence Modeling of protein sequence and biophysical properties (such as structural, functional, and spatial information, amino acid conservation, physicochemical variation, residue mobility, and thermodynamic stability) has been performed for this missense variant. However, the output from this modeling did not meet the statistical confidence thresholds required to predict the impact of this variant on OFD1 protein function. In summary, the available evidence is currently insufficient to determine the role of this variant in disease. Therefore, it has been classified as a Variant of Uncertain Significance.